The following is an entry in ClinVar:

ClinVar aggregate classification (germline): Uncertain significance (1 of 4 stars; one submission).

Submission:

GeneDx
Classification: Uncertain significance. Last evaluated: 2023-11-28. Review status: criteria provided, single submitter. Criteria: GeneDx Variant Classification Process June 2021. Collection method: clinical testing. Allele origin: germline. Affected: yes.
Comment: Not observed at significant frequency in large population cohorts (gnomAD); In silico analysis supports that this missense variant has a deleterious effect on splicing; In silico analysis supports that this missense variant does not alter protein structure/function; Has not been previously published as pathogenic or benign to our knowledge

NM_001846.4(COL4A2):c.2009G>T (p.Gly670Val)

Gene: COL4A2 (collagen type IV alpha 2 chain; plus strand). Cytogenetic location: 13q34.
Variant type: single nucleotide variant.
Coding change: c.2009G>T on transcript NM_001846.4 (MANE Select); coding-DNA position 2009, G replaced by T.
Protein change: p.Gly670Val; replaces glycine 670 with valine.
Molecular consequence: missense variant.
Genome position (GRCh38, 1-based): chr13:110,466,033, G>T. VCF-style: chr13-110466033-G-T. GRCh37 (hg19) VCF-style: chr13-111118380-G-T.
Other names: short protein forms G670V.
Identifiers: ClinVar variation 3364914 (VCV003364914.1).